The following is an entry in ClinVar:

ClinVar aggregate classification (germline): Uncertain significance (1 of 4 stars; one submission).

Conditions:
PARD3B-related disorder. Also called: PARD3B-related condition.

Submission:

PreventionGenetics, part of Exact Sciences
Classification: Uncertain significance for PARD3B-related condition. Last evaluated: 2023-01-17. Review status: criteria provided, single submitter. Criteria: ACMG Guidelines, 2015. Collection method: clinical testing. Allele origin: germline.
Comment: The PARD3B c.2473G>A variant is predicted to result in the amino acid substitution p.Glu825Lys. To our knowledge, this variant has not been reported in the literature or in a large population database, indicating this variant is rare. At this time, the clinical significance of this variant is uncertain due to the absence of conclusive functional and genetic evidence.

NM_001302769.2(PARD3B):c.2473G>A (p.Glu825Lys)

Gene: PARD3B (par-3 family cell polarity regulator beta; plus strand). Cytogenetic location: 2q33.3.
Variant type: single nucleotide variant.
Coding change: c.2473G>A on transcript NM_001302769.2 (MANE Select); coding-DNA position 2473, G replaced by A.
Protein change: p.Glu825Lys; replaces glutamic acid 825 with lysine.
Molecular consequence: missense variant.
Genome position (GRCh38, 1-based): chr2:205,301,544, G>A. VCF-style: chr2-205301544-G-A. GRCh37 (hg19) VCF-style: chr2-206166268-G-A.
Other names: c.2266G>A, p.Glu756Lys (NM_057177.7); c.2287G>A, p.Glu763Lys (NM_152526.6); c.2473G>A, p.Glu825Lys (NM_205863.4); short protein forms E756K, E763K, E825K.
Identifiers: ClinVar variation 2634087 (VCV002634087.1), dbSNP rs2470426989, ClinGen allele CA350143705.